The following is an entry in ClinVar:

ClinVar aggregate classification (germline): Uncertain significance. Review status: criteria provided, multiple submitters, no conflicts (2 of 4 stars). 3 submissions from 3 submitters: Uncertain significance (3). Last evaluated 2025-12-29.

Conditions:
Familial cancer of breast. Also called: hereditary breast carcinoma; Hereditary breast cancer; BREAST CANCER, FAMILIAL. Identifiers: Orphanet 227535, MedGen C0346153, MONDO:0016419, OMIM 114480. Disease mechanism: loss of function.
Hereditary cancer-predisposing syndrome. Also called: Neoplastic Syndromes, Hereditary; Hereditary neoplastic syndrome; Tumor predisposition; Hereditary Cancer Syndrome. Identifiers: Orphanet 140162, MedGen C0027672, MeSH D009386, MONDO:0015356.

Submissions (3):

Center for Genomic Medicine, Rigshospitalet, Copenhagen University Hospital
Classification: Uncertain significance. Last evaluated: 2025-12-29. Review status: criteria provided, single submitter. Criteria: ACMG Guidelines, 2015. Collection method: clinical testing. Allele origin: germline.

Ambry Genetics
Classification: Uncertain significance for Hereditary cancer-predisposing syndrome. Last evaluated: 2024-08-18. Review status: criteria provided, single submitter. Criteria: Ambry Variant Classification Scheme 2023. Collection method: clinical testing. Allele origin: germline.
Comment: The p.I922R variant (also known as c.2765T>G), located in coding exon 8 of the PALB2 gene, results from a T to G substitution at nucleotide position 2765. The isoleucine at codon 922 is replaced by arginine, an amino acid with similar properties. This amino acid position is conserved. In addition, the in silico prediction for this alteration is inconclusive. Based on the available evidence, the clinical significance of this variant remains unclear.

Labcorp Genetics (formerly Invitae), Labcorp
Classification: Uncertain significance for Familial cancer of breast. Last evaluated: 2022-10-07. Review status: criteria provided, single submitter. Criteria: Invitae Variant Classification Sherloc (09022015). Collection method: clinical testing. Allele origin: germline.
Comment: This sequence change replaces isoleucine, which is neutral and non-polar, with arginine, which is basic and polar, at codon 922 of the PALB2 protein (p.Ile922Arg). This variant is not present in population databases (gnomAD no frequency). This variant has not been reported in the literature in individuals affected with PALB2-related conditions. Advanced modeling of protein sequence and biophysical properties (such as structural, functional, and spatial information, amino acid conservation, physicochemical variation, residue mobility, and thermodynamic stability) performed at Invitae indicates that this missense variant is expected to disrupt PALB2 protein function. In summary, the available evidence is currently insufficient to determine the role of this variant in disease. Therefore, it has been classified as a Variant of Uncertain Significance.

NM_024675.4(PALB2):c.2765T>G (p.Ile922Arg)

Gene: PALB2 (partner and localizer of BRCA2; minus strand). Cytogenetic location: 16p12.2.
Variant type: single nucleotide variant.
Coding change: c.2765T>G on transcript NM_024675.4 (MANE Select); coding-DNA position 2765, T replaced by G.
Protein change: p.Ile922Arg; replaces isoleucine 922 with arginine.
Molecular consequence: missense variant.
Genome position (GRCh38, 1-based): chr16:23,624,078, A>C on the plus strand (T>G on the coding strand, the complement: PALB2 is on the minus strand). VCF-style: chr16-23624078-A-C. GRCh37 (hg19) VCF-style: chr16-23635399-A-C.
Other names: c.2705T>G, p.Ile902Arg (NM_001407296.1); c.2693T>G, p.Ile898Arg (NM_001407297.1); c.2603T>G, p.Ile868Arg (NM_001407298.1, NM_001407302.1); c.2765T>G, p.Ile922Arg (NM_001407299.1, NM_001407300.1, NM_001407301.1); c.1880T>G, p.Ile627Arg (NM_001407304.1, NM_001407305.1, NM_001407306.1 and 4 more transcripts); c.1718T>G, p.Ile573Arg (NM_001407307.1); c.977T>G, p.Ile326Arg (NM_001407312.1, NM_001407313.1); c.299T>G, p.Ile100Arg (NM_001407314.1); short protein forms I627R, I898R, I573R, I902R, I922R, I100R, I326R, I868R.
Identifiers: ClinVar variation 1997276 (VCV001997276.6), dbSNP rs1060499822, ClinGen allele CA395145192.